The following is an entry in ClinVar:

ClinVar aggregate classification (germline): Uncertain significance (1 of 4 stars; one submission).

Conditions:
Specific granule deficiency. Identifiers: Orphanet 169142, MedGen C0398593, MONDO:0009506.

Allele frequency attached by ClinVar (database versions not stated): gnomAD exomes below 0.00001; ExAC 0.00001; gnomAD 0.00001; TOPMed 0.00003.
gnomAD v4.1: 4 of 1,610,502 alleles (0.00025%); highest among the groups gnomAD compares: African/African-American, 0.0053%; no homozygotes.

Submission:

Labcorp Genetics (formerly Invitae), Labcorp
Classification: Uncertain significance for Specific granule deficiency. Last evaluated: 2022-09-27. Review status: criteria provided, single submitter. Criteria: Invitae Variant Classification Sherloc (09022015). Collection method: clinical testing. Allele origin: germline.
Comment: This sequence change replaces glycine, which is neutral and non-polar, with valine, which is neutral and non-polar, at codon 13 of the CEBPE protein (p.Gly13Val). This variant is present in population databases (rs779313226, gnomAD 0.01%). This variant has not been reported in the literature in individuals affected with CEBPE-related conditions. Algorithms developed to predict the effect of missense changes on protein structure and function (SIFT, PolyPhen-2, Align-GVGD) all suggest that this variant is likely to be tolerated. In summary, the available evidence is currently insufficient to determine the role of this variant in disease. Therefore, it has been classified as a Variant of Uncertain Significance.

NM_001805.4(CEBPE):c.38G>T (p.Gly13Val)

Gene: CEBPE (CCAAT enhancer binding protein epsilon; minus strand). Cytogenetic location: 14q11.2.
Variant type: single nucleotide variant.
Coding change: c.38G>T on transcript NM_001805.4 (MANE Select); coding-DNA position 38, G replaced by T.
Protein change: p.Gly13Val; replaces glycine 13 with valine.
Molecular consequence: missense variant.
Genome position (GRCh38, 1-based): chr14:23,119,054, C>A on the plus strand (G>T on the coding strand, the complement: CEBPE is on the minus strand). VCF-style: chr14-23119054-C-A. GRCh37 (hg19) VCF-style: chr14-23588263-C-A.
Other names: short protein forms G13V.
Identifiers: ClinVar variation 1715334 (VCV001715334.5), dbSNP rs779313226, ClinGen allele CA7111315.